The following is an entry in ClinVar:

NM_000170.3(GLDC):c.2615dup (p.Ser873fs)

Gene: GLDC (glycine decarboxylase; minus strand). Cytogenetic location: 9p24.1.
Variant type: Duplication.
Coding change: c.2615dup on transcript NM_000170.3 (MANE Select); coding-DNA position 2615, one base duplicated (A; older notation c.2615dupA).
Protein change: p.Ser873fs; shifts the reading frame from serine 873.
Molecular consequence: frameshift variant.
Genome position (GRCh38, 1-based): chr9:6,540,101, T duplicated on the plus strand (A on the coding strand, the reverse complement: GLDC is on the minus strand); the first of 5 consecutive T bases (chr9:6,540,101-6,540,105); duplicating any one gives the same sequence. VCF-style (leftmost placement, unchanged base first): chr9-6540100-C-CT. GRCh37 (hg19) VCF-style: chr9-6540100-C-CT.
Other names: short protein forms S873fs.
Identifiers: ClinVar variation 5014841 (VCV005014841.1).
Genomic context (GRCh38, chr9:6,540,100, plus strand): 5'-AAGCCACTTACCATAATCCTGGAGTCTCTTGGCCACATCCACAGCCTCAATATTTGCAGA[C>CT]TTTTTGAAGGGTCTCGTGTCCAAAATAAATTCATGACCCACATAACCTGTTCAGGAAAGT-3'

ClinVar aggregate classification (germline): Pathogenic (1 of 4 stars; one submission).

Conditions:
Glycine encephalopathy 1 (GCE1). Identifiers: MedGen CN376801, MONDO:0958179, OMIM 605899.

Submission:

Myriad Genetics, Inc.
Classification: Pathogenic for Glycine encephalopathy 1. Last evaluated: 2025-08-09. Review status: criteria provided, single submitter. Criteria: Myriad Autosomal Dominant, Autosomal Recessive and X-Linked Classification Criteria (2023). Collection method: clinical testing. Allele origin: unknown.
Comment: NM_000170.2(GLDC):c.2615dupA(S873Vfs*5) is expected to be pathogenic in the context of glycine encephalopathy, GLDC-related. This variant is predicted to lead to an abnormal or absent protein product due to the creation of a premature termination codon in GLDC, a gene where loss-of-function variants are known to be pathogenic. Please note: this variant was assessed in the context of healthy population screening.